The following is an entry in ClinVar:

ClinVar aggregate classification (germline): Benign (1 of 4 stars; one submission).

Conditions:
Ehlers-Danlos syndrome, dermatosparaxis type. Also called: EDS VIIC; Dermatosparaxis; Ehlers-Danlos syndrome, type VII, autosomal recessive. Identifiers: Orphanet 1901, MedGen C2700425, MONDO:0009161, OMIM 225410.

Allele frequency attached by ClinVar (database versions not stated): gnomAD exomes 0.00108; gnomAD 0.00707 and 0.00754; 1000 Genomes Project 0.00739; 1000 Genomes Project 30x 0.00765; TOPMed 0.00780.
gnomAD v4.1: 1,148 of 232,056 alleles (0.49%); highest among the groups gnomAD compares: African/African-American, 2.4%; 10 homozygotes.

Submission:

Illumina Laboratory Services, Illumina
Classification: Benign for Ehlers-Danlos syndrome, dermatosparaxis type. Last evaluated: 2018-01-13. Review status: criteria provided, single submitter. Criteria: ICSL Variant Classification Criteria 13 December 2019. Collection method: clinical testing. Allele origin: germline.
Comment: This variant was observed in the ICSL laboratory as part of a predisposition screen in an ostensibly healthy population. It had not been previously curated by ICSL or reported in the Human Gene Mutation Database (HGMD: prior to June 1st, 2018), and was therefore a candidate for classification through an automated scoring system. Utilizing variant allele frequency, disease prevalence and penetrance estimates, and inheritance mode, an automated score was calculated to assess if this variant is too frequent to cause the disease. Based on the score and internal cut-off values, a variant classified as benign is not then subjected to further curation. The score for this variant resulted in a classification of benign for this disease.

NM_014244.5(ADAMTS2):c.*445G>A

Gene: ADAMTS2 (ADAM metallopeptidase with thrombospondin type 1 motif 2; minus strand). Cytogenetic location: 5q35.3.
Variant type: single nucleotide variant.
Coding change: c.*445G>A on transcript NM_014244.5 (MANE Select); 445 bases downstream of the stop codon, G replaced by A.
Molecular consequence: 3 prime UTR variant.
Genome position (GRCh38, 1-based): chr5:179,113,422, C>T on the plus strand (G>A on the coding strand, the complement: ADAMTS2 is on the minus strand). VCF-style: chr5-179113422-C-T. GRCh37 (hg19) VCF-style: chr5-178540423-C-T.
Identifiers: ClinVar variation 353076 (VCV000353076.5), dbSNP rs73806886, ClinGen allele CA10624259.